The following is an entry in ClinVar:

NM_032108.4(SEMA6B):c.2284C>A (p.Pro762Thr)

Gene: SEMA6B (semaphorin 6B; minus strand). Cytogenetic location: 19p13.3.
Variant type: single nucleotide variant.
Coding change: c.2284C>A on transcript NM_032108.4 (MANE Select); coding-DNA position 2284, C replaced by A.
Protein change: p.Pro762Thr; replaces proline 762 with threonine.
Molecular consequence: missense variant.
Genome position (GRCh38, 1-based): chr19:4,543,984, G>T on the plus strand (C>A on the coding strand, the complement: SEMA6B is on the minus strand). VCF-style: chr19-4543984-G-T. GRCh37 (hg19) VCF-style: chr19-4543996-G-T.
Other names: short protein forms P762T.
Identifiers: ClinVar variation 2311730 (VCV002311730.4), dbSNP rs1027914512, ClinGen allele CA403460852.

ClinVar aggregate classification (germline): Uncertain significance. Review status: criteria provided, single submitter (1 of 4 stars). 2 submissions from 2 submitters: Uncertain significance (1). 1 of the submissions does not count toward it. Last evaluated 2022-09-14.

Conditions:
Inborn genetic diseases. Identifiers: MedGen C0950123, MeSH D030342.
SEMA6B-related disorder. Also called: SEMA6B-related condition.

Allele frequency attached by ClinVar (database versions not stated): 1000 Genomes Project 30x 0.00016.

Submissions (2):

Ambry Genetics
Classification: Uncertain significance for Inborn genetic diseases. Last evaluated: 2022-09-14. Review status: criteria provided, single submitter. Criteria: Ambry Variant Classification Scheme 2023. Collection method: clinical testing. Allele origin: germline.

PreventionGenetics, part of Exact Sciences
Classification: Likely benign for SEMA6B-related condition. Last evaluated: 2023-02-20. Review status: no assertion criteria provided. Collection method: clinical testing. Allele origin: germline. Not counted in ClinVar's aggregate classification.
Comment: This variant is classified as likely benign based on ACMG/AMP sequence variant interpretation guidelines (Richards et al. 2015 PMID: 25741868, with internal and published modifications).